The following is an entry in ClinVar:

ClinVar aggregate classification (germline): Uncertain significance (1 of 4 stars; one submission).

Submission:

Labcorp Genetics (formerly Invitae), Labcorp
Classification: Uncertain significance. Last evaluated: 2024-08-07. Review status: criteria provided, single submitter. Criteria: Invitae Variant Classification Sherloc (09022015). Collection method: clinical testing. Allele origin: germline.
Comment: This sequence change replaces threonine, which is neutral and polar, with serine, which is neutral and polar, at codon 121 of the KIF23 protein (p.Thr121Ser). This variant is not present in population databases (gnomAD no frequency). This variant has not been reported in the literature in individuals affected with KIF23-related conditions. Advanced modeling of protein sequence and biophysical properties (such as structural, functional, and spatial information, amino acid conservation, physicochemical variation, residue mobility, and thermodynamic stability) performed at Invitae indicates that this missense variant is not expected to disrupt KIF23 protein function with a negative predictive value of 80%. In summary, the available evidence is currently insufficient to determine the role of this variant in disease. Therefore, it has been classified as a Variant of Uncertain Significance.

NM_001367805.3(KIF23):c.361A>T (p.Thr121Ser)

Gene: KIF23 (kinesin family member 23; plus strand). Cytogenetic location: 15q23.
Variant type: single nucleotide variant.
Coding change: c.361A>T on transcript NM_001367805.3 (MANE Select); coding-DNA position 361, A replaced by T.
Protein change: p.Thr121Ser; replaces threonine 121 with serine.
Molecular consequence: missense variant. On other transcripts: non-coding transcript variant (2), intron variant (1).
Genome position (GRCh38, 1-based): chr15:69,422,036, A>T. VCF-style: chr15-69422036-A-T. GRCh37 (hg19) VCF-style: chr15-69714375-A-T.
Other names: c.361A>T, p.Thr121Ser (NM_001367804.2, NM_004856.7, NM_138555.4); c.123+284A>T (NM_001281301.2); short protein forms T121S.
Identifiers: ClinVar variation 3659555 (VCV003659555.2).